The following is an entry in ClinVar:

NM_000203.5(IDUA):c.619G>C (p.Glu207Gln)

Gene: IDUA (alpha-L-iduronidase; plus strand). Cytogenetic location: 4p16.3.
Variant type: single nucleotide variant.
Coding change: c.619G>C on transcript NM_000203.5 (MANE Select); coding-DNA position 619, G replaced by C.
Protein change: p.Glu207Gln; replaces glutamic acid 207 with glutamine.
Molecular consequence: missense variant. On other transcripts: non-coding transcript variant (1).
Genome position (GRCh38, 1-based): chr4:1,001,708, G>C. VCF-style: chr4-1001708-G-C. GRCh37 (hg19) VCF-style: chr4-995496-G-C.
Other names: c.223G>C, p.Glu75Gln (NM_001363576.1); short protein forms E207Q, E75Q.
Identifiers: ClinVar variation 495734 (VCV000495734.1), dbSNP rs1553917102, ClinGen allele CA355961938.

ClinVar aggregate classification (germline): Uncertain significance (1 of 4 stars; one submission).

Allele frequency attached by ClinVar (database versions not stated): gnomAD 0.00001.

Submission:

Women's Health and Genetics/Laboratory Corporation of America, LabCorp
Classification: Uncertain significance. Last evaluated: 2016-09-02. Review status: criteria provided, single submitter. Criteria: LabCorp Variant Classification Summary - May 2015. Collection method: clinical testing. Allele origin: germline.
Comment: Variant summary: The IDUA c.619G>C (p.Glu207Gln) variant involves the alteration of a conserved nucleotide. 2/3 in silico tools predict a benign outcome for this variant (SNPs&GO not captured due to low reliability index). This variant is absent in 94606 control chromosomes. The variant of interest has not, to our knowledge, been reported in affected individuals via publications and/or reputable databases/clinical diagnostic laboratories; nor evaluated for functional impact by in vivo/vitro studies. Because of the absence of clinical information and the lack of functional studies, the variant is classified as a variant of uncertain significance (VUS) until additional information becomes available.